The following is an entry in ClinVar:

ClinVar aggregate classification (germline): Uncertain significance (1 of 4 stars; one submission).

Allele frequency attached by ClinVar (database versions not stated): TOPMed below 0.00001.

Submission:

Labcorp Genetics (formerly Invitae), Labcorp
Classification: Uncertain significance. Last evaluated: 2023-05-01. Review status: criteria provided, single submitter. Criteria: Invitae Variant Classification Sherloc (09022015). Collection method: clinical testing. Allele origin: germline.
Comment: This sequence change replaces glycine, which is neutral and non-polar, with alanine, which is neutral and non-polar, at codon 559 of the SH3KBP1 protein (p.Gly559Ala). This variant is not present in population databases (gnomAD no frequency). This variant has not been reported in the literature in individuals affected with SH3KBP1-related conditions. Advanced modeling of protein sequence and biophysical properties (such as structural, functional, and spatial information, amino acid conservation, physicochemical variation, residue mobility, and thermodynamic stability) performed at Invitae indicates that this missense variant is not expected to disrupt SH3KBP1 protein function. In summary, the available evidence is currently insufficient to determine the role of this variant in disease. Therefore, it has been classified as a Variant of Uncertain Significance.

NM_031892.3(SH3KBP1):c.1676G>C (p.Gly559Ala)

Gene: SH3KBP1 (SH3 domain containing kinase binding protein 1; minus strand). Cytogenetic location: Xp22.12.
Variant type: single nucleotide variant.
Coding change: c.1676G>C on transcript NM_031892.3 (MANE Select); coding-DNA position 1676, G replaced by C.
Protein change: p.Gly559Ala; replaces glycine 559 with alanine.
Molecular consequence: missense variant.
Genome position (GRCh38, 1-based): chrX:19,542,141, C>G on the plus strand (G>C on the coding strand, the complement: SH3KBP1 is on the minus strand). VCF-style: chrX-19542141-C-G. GRCh37 (hg19) VCF-style: chrX-19560259-C-G.
Other names: c.1565G>C, p.Gly522Ala (NM_001024666.3); c.962G>C, p.Gly321Ala (NM_001184960.2); c.1547G>C, p.Gly516Ala (NM_001353890.2); c.1751G>C, p.Gly584Ala (NM_001353891.2); c.1622G>C, p.Gly541Ala (NM_001353892.2); c.1574G>C, p.Gly525Ala (NM_001353893.2); c.1445G>C, p.Gly482Ala (NM_001353894.2); c.1502G>C, p.Gly501Ala (NM_001353895.2); and 4 more; short protein forms G541A, G559A, G603A, G457A, G516A, G522A, G584A, G321A.
Identifiers: ClinVar variation 2869133 (VCV002869133.3), dbSNP rs1602401049, ClinGen allele CA412496052.
Genomic context (GRCh38, chrX:19,542,141, plus strand): 5'-CCCAAAGAGGATGACAGGGGGGAGGGCGCCGCTGAGGACAGAGGGGCTGGCCCACCGCCA[C>G]CTGCTGCCATGGTCCCCGGCTTGGGCGGCAGGGATGCTTTGTTGTCAGACACCTGTGACG-3'
Protein context (NP_114098.1, residues 549-569): LPPKPGTMAA[Gly559Ala]GGGPAPLSSA